The following is an entry in ClinVar:

NM_152618.3(BBS12):c.1204C>T (p.Gln402Ter)

Gene: BBS12 (Bardet-Biedl syndrome 12; plus strand). Cytogenetic location: 4q27.
Variant type: single nucleotide variant.
Coding change: c.1204C>T on transcript NM_152618.3 (MANE Select); coding-DNA position 1204, C replaced by T.
Protein change: p.Gln402Ter; replaces glutamine 402 with a stop codon.
Molecular consequence: nonsense.
Genome position (GRCh38, 1-based): chr4:122,743,096, C>T. VCF-style: chr4-122743096-C-T. GRCh37 (hg19) VCF-style: chr4-123664251-C-T.
Other names: c.1204C>T, p.Gln402Ter (NM_001178007.2); short protein forms Q402*.
Identifiers: ClinVar variation 2691568 (VCV002691568.4), dbSNP rs2485075660, ClinGen allele CA358224623.
Genomic context (GRCh38, chr4:122,743,096, plus strand): 5'-TTAGATAGCATGCGGCTTCAAGAAGACAGCTCAGAAGAACTGTGGGCAAATCACGTGTTA[C>T]AGGTGTTAATCCAGTTCAAGGTGAACCTTGTCCTGGTACAAGGAAATGTGTCCGAACGCT-3'

ClinVar aggregate classification (germline): Pathogenic. Review status: criteria provided, multiple submitters, no conflicts (2 of 4 stars). 2 submissions from 2 submitters: Pathogenic (2). Last evaluated 2023-12-08.

Conditions:
Bardet-Biedl syndrome (BBS). Identifiers: Orphanet 110, MedGen C0752166, MONDO:0015229.

Submissions (2):

Women's Health and Genetics/Laboratory Corporation of America, LabCorp
Classification: Pathogenic for Bardet-Biedl syndrome. Last evaluated: 2023-12-08. Review status: criteria provided, single submitter. Criteria: LabCorp Variant Classification Summary - May 2015. Collection method: clinical testing. Allele origin: germline.
Comment: Variant summary: BBS12 c.1204C>T (p.Gln402X) results in a premature termination codon, predicted to cause a truncation of the encoded protein which is a commonly known mechanism for disease. Variants downstream of this position have been classified as pathogenic by our laboratory (e.g., p.Leu530Pro). The variant was absent in 251466 control chromosomes. To our knowledge, no occurrence of c.1204C>T in individuals affected with Bardet-Biedl Syndrome and no experimental evidence demonstrating its impact on protein function have been reported. No submitters have cited clinical-significance assessments for this variant to ClinVar after 2014. Based on the evidence outlined above, the variant was classified as pathogenic.

Labcorp Genetics (formerly Invitae), Labcorp
Classification: Pathogenic for Bardet-Biedl syndrome. Last evaluated: 2023-05-22. Review status: criteria provided, single submitter. Criteria: Invitae Variant Classification Sherloc (09022015). Collection method: clinical testing. Allele origin: germline.
Comment: This variant has not been reported in the literature in individuals affected with BBS12-related conditions. This variant is not present in population databases (gnomAD no frequency). This sequence change creates a premature translational stop signal (p.Gln402*) in the BBS12 gene. While this is not anticipated to result in nonsense mediated decay, it is expected to disrupt the last 309 amino acid(s) of the BBS12 protein. This variant disrupts a region of the BBS12 protein in which other variant(s) (p.Arg675*) have been determined to be pathogenic (PMID: 20827784, 21642631). This suggests that this is a clinically significant region of the protein, and that variants that disrupt it are likely to be disease-causing. For these reasons, this variant has been classified as Pathogenic.

Literature cited by the submitters: PubMed 20827784 (cited by Labcorp Genetics (formerly Invitae), Labcorp); PubMed 21642631 (cited by Labcorp Genetics (formerly Invitae), Labcorp).